The following is an entry in ClinVar:

NM_001039348.3(EFEMP1):c.507C>T (p.Asn169=)

Gene: EFEMP1 (EGF-like fibulin extracellular matrix protein 1; minus strand). Cytogenetic location: 2p16.1.
Variant type: single nucleotide variant.
Coding change: c.507C>T on transcript NM_001039348.3 (MANE Select); coding-DNA position 507, C replaced by T.
Protein change: p.Asn169=; no amino-acid change (asparagine 169 retained).
Molecular consequence: synonymous variant.
Genome position (GRCh38, 1-based): chr2:55,917,675, G>A on the plus strand (C>T on the coding strand, the complement: EFEMP1 is on the minus strand). VCF-style: chr2-55917675-G-A. GRCh37 (hg19) VCF-style: chr2-56144810-G-A.
Other names: c.507C>T (NM_001039348.2); c.507C>T, p.Asn169= (NM_001039349.3).
Identifiers: ClinVar variation 1156281 (VCV001156281.12), dbSNP rs149890382, ClinGen allele CA1668935.

ClinVar aggregate classification (germline): Likely benign. Review status: criteria provided, multiple submitters, no conflicts (2 of 4 stars). 3 submissions from 3 submitters: Likely benign (2). 1 of the submissions does not count toward it. Last evaluated 2024-06-25.

Conditions:
EFEMP1-related disorder. Also called: EFEMP1-related condition.

Allele frequency attached by ClinVar (database versions not stated): TOPMed 0.00011; ExAC 0.00012; gnomAD 0.00013; gnomAD exomes 0.00013; ESP Exome Variant Server 0.00023.
gnomAD v4.1: 266 of 1,614,080 alleles (0.016%); highest among the groups gnomAD compares: African/African-American, 0.02%; no homozygotes.

Submissions (3):

Labcorp Genetics (formerly Invitae), Labcorp
Classification: Likely benign. Last evaluated: 2024-06-25. Review status: criteria provided, single submitter. Criteria: Invitae Variant Classification Sherloc (09022015). Collection method: clinical testing. Allele origin: germline.

Blueprint Genetics
Classification: Likely benign. Last evaluated: 2024-04-30. Review status: criteria provided, single submitter. Criteria: ACMG Guidelines, 2015. Collection method: clinical testing. Allele origin: germline.

PreventionGenetics, part of Exact Sciences
Classification: Likely benign for EFEMP1-related condition. Last evaluated: 2019-04-15. Review status: no assertion criteria provided. Collection method: clinical testing. Allele origin: germline. Not counted in ClinVar's aggregate classification.
Comment: This variant is classified as likely benign based on ACMG/AMP sequence variant interpretation guidelines (Richards et al. 2015 PMID: 25741868, with internal and published modifications).